The following is an entry in ClinVar:

ClinVar aggregate classification (germline): Uncertain significance (1 of 4 stars; one submission).

Conditions:
NEFH-related disorder. Also called: NEFH-related condition.

gnomAD v4.1: 6 of 1,531,788 alleles (0.00039%); highest among the groups gnomAD compares: African/African-American, 0.0014%; no homozygotes.

Submission:

PreventionGenetics, part of Exact Sciences
Classification: Uncertain significance for NEFH-related condition. Last evaluated: 2023-04-07. Review status: criteria provided, single submitter. Criteria: ACMG Guidelines, 2015. Collection method: clinical testing. Allele origin: germline.
Comment: The NEFH c.172G>C variant is predicted to result in the amino acid substitution p.Val58Leu. To our knowledge, this variant has not been reported in the literature. This variant is reported in 0.012% of alleles in individuals of African descent in gnomAD. At this time, the clinical significance of this variant is uncertain due to the absence of conclusive functional and genetic evidence.

NM_021076.4(NEFH):c.172G>C (p.Val58Leu)

Gene: NEFH (neurofilament heavy chain; plus strand). Cytogenetic location: 22q12.2.
Variant type: single nucleotide variant.
Coding change: c.172G>C on transcript NM_021076.4 (MANE Select); coding-DNA position 172, G replaced by C.
Protein change: p.Val58Leu; replaces valine 58 with leucine.
Molecular consequence: missense variant.
Genome position (GRCh38, 1-based): chr22:29,480,434, G>C. VCF-style: chr22-29480434-G-C. GRCh37 (hg19) VCF-style: chr22-29876423-G-C.
Other names: short protein forms V58L.
Identifiers: ClinVar variation 2629203 (VCV002629203.1), dbSNP rs567284754, ClinGen allele CA411121762.
Genomic context (GRCh38, chr22:29,480,434, plus strand): 5'-CGCTCCGCCGCTGGCTCCTCCAGCGGCTTCCACTCGTGGACACGGACGTCCGTGAGCTCC[G>C]TGTCCGCCTCGCCCAGCCGCTTCCGTGGCGCAGGCGCCGCCTCAAGCACCGACTCGCTGG-3'
Protein context (NP_066554.2, residues 48-68): HSWTRTSVSS[Val58Leu]SASPSRFRGA